The following is an entry in ClinVar:

ClinVar aggregate classification (germline): Uncertain significance (1 of 4 stars; one submission).

Conditions:
Congenital disorder of glycosylation type 1E (CDG1E). Also called: CONGENITAL DISORDER OF GLYCOSYLATION, TYPE Ie; CDG Ie. Identifiers: Orphanet 79322, MedGen C1837396, MONDO:0012123, OMIM 608799.

Allele frequency attached by ClinVar (database versions not stated): gnomAD exomes below 0.00001 and 0.00001; ExAC 0.00001.

Submission:

Labcorp Genetics (formerly Invitae), Labcorp
Classification: Uncertain significance for Congenital disorder of glycosylation type 1E. Last evaluated: 2022-11-08. Review status: criteria provided, single submitter. Criteria: Invitae Variant Classification Sherloc (09022015). Collection method: clinical testing. Allele origin: germline.
Comment: This variant is present in population databases (rs767978019, gnomAD 0.0009%). This sequence change replaces glutamic acid, which is acidic and polar, with lysine, which is basic and polar, at codon 38 of the DPM1 protein (p.Glu38Lys). This variant has not been reported in the literature in individuals affected with DPM1-related conditions. In summary, the available evidence is currently insufficient to determine the role of this variant in disease. Therefore, it has been classified as a Variant of Uncertain Significance. Algorithms developed to predict the effect of missense changes on protein structure and function are either unavailable or do not agree on the potential impact of this missense change (SIFT: "Tolerated"; PolyPhen-2: "Possibly Damaging"; Align-GVGD: "Class C0"). ClinVar contains an entry for this variant (Variation ID: 644187).

NM_003859.3(DPM1):c.112G>A (p.Glu38Lys)

Genes: DPM1 (dolichyl-phosphate mannosyltransferase subunit 1, catalytic; minus strand), LOC130066166 (ATAC-STARR-seq lymphoblastoid active region 18108; plus strand). Cytogenetic location: 20q13.13.
Variant type: single nucleotide variant.
Coding change: c.112G>A on transcript NM_003859.3 (MANE Select); coding-DNA position 112, G replaced by A.
Protein change: p.Glu38Lys; replaces glutamic acid 38 with lysine.
Molecular consequence: missense variant. On other transcripts: non-coding transcript variant (1).
Genome position (GRCh38, 1-based): chr20:50,958,412, C>T on the plus strand (G>A on the coding strand, the complement: DPM1 is on the minus strand). VCF-style: chr20-50958412-C-T. GRCh37 (hg19) VCF-style: chr20-49574949-C-T.
Other names: c.112G>A, p.Glu38Lys (NM_001317034.1, NM_001317035.1, NM_001317036.1); short protein forms E38K.
Identifiers: ClinVar variation 644187 (VCV000644187.7), dbSNP rs767978019, ClinGen allele CA9909236.
Genomic context (GRCh38, chr20:50,958,412, plus strand): 5'-TGGTGCGCTACCTCTCGGAGAAGCTTTTCACCAGCAGCCACACGATGAGCGGCAGGTTCT[C>T]GCGCTCGTTGTAGGTAGGTAAAAGCACCGAATATTTGTTCTGTCGTGGACTGCGCACTTC-3'
Protein context (NP_003850.1, residues 28-48): SVLLPTYNER[Glu38Lys]NLPLIVWLLV